The following is an entry in ClinVar:

NM_012199.5(AGO1):c.*10G>A

Gene: AGO1 (argonaute RISC component 1; plus strand). Cytogenetic location: 1p34.3.
Variant type: single nucleotide variant.
Coding change: c.*10G>A on transcript NM_012199.5 (MANE Select); 10 bases downstream of the stop codon, G replaced by A.
Molecular consequence: 3 prime UTR variant. On other transcripts: missense variant (1).
Genome position (GRCh38, 1-based): chr1:35,919,617, G>A. VCF-style: chr1-35919617-G-A. GRCh37 (hg19) VCF-style: chr1-36385218-G-A.
Other names: c.2584G>A, p.Ala862Thr (NM_001317122.2); c.*10G>A (NM_001317123.2); short protein forms A862T.
Identifiers: ClinVar variation 1809887 (VCV001809887.1), dbSNP rs1645796023, ClinGen allele CA1000545658.
Genomic context (GRCh38, chr1:35,919,617, plus strand): 5'-AAAGCCGTGCAGGTTCACCAGGATACTCTGCGCACCATGTACTTCGCTTGAAGGCAGAAC[G>A]CTGTTACCTCACTGGATAGAAGAAAGCTTTCCAAGCCCCAGGAGCTGTGCCACCCAAATC-3'

ClinVar aggregate classification (germline): Uncertain significance (1 of 4 stars; one submission).

Allele frequency attached by ClinVar (database versions not stated): gnomAD exomes below 0.00001; TOPMed below 0.00001; gnomAD 0.00001.
gnomAD v4.1: 5 of 1,609,982 alleles (0.00031%); highest among the groups gnomAD compares: South Asian, 0.0033%; no homozygotes.

Submission:

GeneDx
Classification: Uncertain significance. Last evaluated: 2022-06-28. Review status: criteria provided, single submitter. Criteria: GeneDx Variant Classification Process June 2021. Collection method: clinical testing. Allele origin: germline. Affected: yes.
Comment: Not observed at significant frequency in large population cohorts (gnomAD); In silico analysis supports that this missense variant does not alter protein structure/function; Has not been previously published as pathogenic or benign to our knowledge